The following is an entry in ClinVar:

ClinVar aggregate classification (germline): Benign. Review status: criteria provided, multiple submitters, no conflicts (2 of 4 stars). 2 submissions from 2 submitters: Benign (2). Last evaluated 2026-01-22.

Submissions (2):

Women's Health and Genetics/Laboratory Corporation of America, LabCorp
Classification: Benign. Last evaluated: 2026-01-22. Review status: criteria provided, single submitter. Criteria: LabCorp Variant Classification Summary - May 2015. Collection method: clinical testing. Allele origin: germline.
Comment: Variant summary: CYBB c.484-17_484-14delGTGT alters a nucleotide located at a position not widely known to affect splicing. Consensus agreement among computation tools predict no significant impact on normal splicing. However, these predictions have yet to be confirmed by functional studies. The variant allele was found at a frequency of 0.042 in 15161 control chromosomes, predominantly at a frequency of 0.097 within the African or African-American subpopulation in the gnomAD database, including 42 homozygotes. The observed variant frequency within African or African-American control individuals in the gnomAD database exceeds the estimated maximal expected allele frequency for disease-causing variants in CYBB. To our knowledge, no occurrence of c.484-17_484-14delGTGT in individuals affected with CYBB-related conditions and no experimental evidence demonstrating its impact on protein function have been reported. ClinVar contains an entry for this variant (Variation ID: 1289783). Based on the evidence outlined above, the variant was classified as benign.

GeneDx
Classification: Benign. Last evaluated: 2019-11-07. Review status: criteria provided, single submitter. Criteria: GeneDx Variant Classification Process June 2021. Collection method: clinical testing. Allele origin: germline. Affected: yes.

NM_000397.4(CYBB):c.484-60TG[21]

Gene: CYBB (cytochrome b-245 beta chain; plus strand). Cytogenetic location: Xp21.1.
Variant type: Microsatellite.
Coding change: c.484-60TG[21] on transcript NM_000397.4 (MANE Select); 21 copies in a row of the 2-base unit TG starting at c.484-60.
Molecular consequence: intron variant.
Genome position: GRCh38 VCF-style: chrX-37795890-ATGTG-A. GRCh37 (hg19) VCF-style: chrX-37655143-ATGTG-A.
Other names: c.484-17_484-14delGTGT (NM_000397.4).
Identifiers: ClinVar variation 1289783 (VCV001289783.3), dbSNP rs57325016, ClinGen allele CA515670811.